The following is an entry in ClinVar:

ClinVar aggregate classification (germline): Uncertain significance (1 of 4 stars; one submission).

Submission:

Labcorp Genetics (formerly Invitae), Labcorp
Classification: Uncertain significance. Last evaluated: 2025-08-11. Review status: criteria provided, single submitter. Criteria: Invitae Variant Classification Sherloc (09022015). Collection method: clinical testing. Allele origin: germline.
Comment: This sequence change replaces glycine, which is neutral and non-polar, with serine, which is neutral and polar, at codon 304 of the CRLF1 protein (p.Gly304Ser). This variant is not present in population databases (gnomAD no frequency). This variant has not been reported in the literature in individuals affected with CRLF1-related conditions. ClinVar contains an entry for this variant (Variation ID: 2007251). Invitae Evidence Modeling of protein sequence and biophysical properties (such as structural, functional, and spatial information, amino acid conservation, physicochemical variation, residue mobility, and thermodynamic stability) has been performed for this missense variant. However, the output from this modeling did not meet the statistical confidence thresholds required to predict the impact of this variant on CRLF1 protein function. In summary, the available evidence is currently insufficient to determine the role of this variant in disease. Therefore, it has been classified as a Variant of Uncertain Significance.

NM_004750.5(CRLF1):c.910G>A (p.Gly304Ser)

Genes: CRLF1 (cytokine receptor like factor 1; minus strand), LOC112543470 (Sharpr-MPRA regulatory region 11645; plus strand). Cytogenetic location: 19p13.11.
Variant type: single nucleotide variant.
Coding change: c.910G>A on transcript NM_004750.5 (MANE Select); coding-DNA position 910, G replaced by A.
Protein change: p.Gly304Ser; replaces glycine 304 with serine.
Molecular consequence: missense variant.
Genome position (GRCh38, 1-based): chr19:18,596,736, C>T on the plus strand (G>A on the coding strand, the complement: CRLF1 is on the minus strand). VCF-style: chr19-18596736-C-T. GRCh37 (hg19) VCF-style: chr19-18707546-C-T.
Other names: short protein forms G304S.
Identifiers: ClinVar variation 2007251 (VCV002007251.4), dbSNP rs771881717, ClinGen allele CA306260340.